The following is an entry in ClinVar:

ClinVar aggregate classification (germline): Uncertain significance (1 of 4 stars; one submission).

Allele frequency attached by ClinVar (database versions not stated): gnomAD exomes below 0.00001.
gnomAD v4.1: 2 of 1,612,010 alleles (0.00012%); highest among the groups gnomAD compares: Admixed American, 0.0017%; no homozygotes.

Submission:

GeneDx
Classification: Uncertain significance. Last evaluated: 2022-07-27. Review status: criteria provided, single submitter. Criteria: GeneDx Variant Classification Process June 2021. Collection method: clinical testing. Allele origin: germline. Affected: yes.
Comment: Not observed at significant frequency in large population cohorts (gnomAD); In silico analysis supports that this missense variant has a deleterious effect on protein structure/function; Has not been previously published as pathogenic or benign to our knowledge

NM_001127453.2(GSDME):c.1472T>C (p.Leu491Ser)

Gene: GSDME (gasdermin E; minus strand). Cytogenetic location: 7p15.3.
Variant type: single nucleotide variant.
Coding change: c.1472T>C on transcript NM_001127453.2 (MANE Select); coding-DNA position 1472, T replaced by C.
Protein change: p.Leu491Ser; replaces leucine 491 with serine.
Molecular consequence: missense variant.
Genome position (GRCh38, 1-based): chr7:24,699,045, A>G on the plus strand (T>C on the coding strand, the complement: GSDME is on the minus strand). VCF-style: chr7-24699045-A-G. GRCh37 (hg19) VCF-style: chr7-24738664-A-G.
Other names: c.980T>C, p.Leu327Ser (NM_001127454.2); c.1472T>C, p.Leu491Ser (NM_004403.3); short protein forms L327S, L491S.
Identifiers: ClinVar variation 2412955 (VCV002412955.3), dbSNP rs2534950810, ClinGen allele CA367044118.